The following is an entry in ClinVar:

NM_004484.4(GPC3):c.265A>T (p.Met89Leu)

Gene: GPC3 (glypican 3; minus strand). Cytogenetic location: Xq26.2.
Variant type: single nucleotide variant.
Coding change: c.265A>T on transcript NM_004484.4 (MANE Select); coding-DNA position 265, A replaced by T.
Protein change: p.Met89Leu; replaces methionine 89 with leucine.
Molecular consequence: missense variant. On other transcripts: intron variant (1).
Genome position (GRCh38, 1-based): chrX:133,953,122, T>A on the plus strand (A>T on the coding strand, the complement: GPC3 is on the minus strand). VCF-style: chrX-133953122-T-A. GRCh37 (hg19) VCF-style: chrX-133087149-T-A.
Other names: c.265A>T, p.Met89Leu (NM_001164617.2, NM_001164618.2); c.175+32153A>T (NM_001164619.2); short protein forms M89L.
Identifiers: ClinVar variation 837322 (VCV000837322.10), dbSNP rs1569458698, ClinGen allele CA414707424.

ClinVar aggregate classification (germline): Uncertain significance (1 of 4 stars; one submission).

Conditions:
Wilms tumor 1 (WT1). Also called: Wilms tumor, somatic. Identifiers: Orphanet 654, MedGen CN033288, MONDO:0008679, OMIM 194070.

Allele frequency attached by ClinVar (database versions not stated): TOPMed below 0.00001.
gnomAD v4.1: 1 of 1,204,826 alleles (0.000083%); no homozygotes.

Submission:

Labcorp Genetics (formerly Invitae), Labcorp
Classification: Uncertain significance for Wilms tumor 1. Last evaluated: 2023-05-18. Review status: criteria provided, single submitter. Criteria: Invitae Variant Classification Sherloc (09022015). Collection method: clinical testing. Allele origin: germline.
Comment: ClinVar contains an entry for this variant (Variation ID: 837322). In summary, the available evidence is currently insufficient to determine the role of this variant in disease. Therefore, it has been classified as a Variant of Uncertain Significance. Advanced modeling of protein sequence and biophysical properties (such as structural, functional, and spatial information, amino acid conservation, physicochemical variation, residue mobility, and thermodynamic stability) performed at Invitae indicates that this missense variant is not expected to disrupt GPC3 protein function. This variant has not been reported in the literature in individuals affected with GPC3-related conditions. This variant is not present in population databases (gnomAD no frequency). This sequence change replaces methionine, which is neutral and non-polar, with leucine, which is neutral and non-polar, at codon 89 of the GPC3 protein (p.Met89Leu).